The following is an entry in ClinVar:

ClinVar aggregate classification (germline): Benign/Likely benign. Review status: criteria provided, multiple submitters, no conflicts (2 of 4 stars). 3 submissions from 3 submitters: Benign (1); Likely benign (2). Last evaluated 2026-07-01.

Allele frequency attached by ClinVar (database versions not stated): ESP Exome Variant Server 0.00423; gnomAD 0.00431 and 0.00460; 1000 Genomes Project 0.00539; 1000 Genomes Project 30x 0.00547.
gnomAD v4.1: 1,302 of 1,613,970 alleles (0.081%); highest among the groups gnomAD compares: African/African-American, 1.5%; 8 homozygotes.

Submissions (3):

CeGaT Center for Human Genetics Tuebingen
Classification: Likely benign. Last evaluated: 2026-07-01. Review status: criteria provided, single submitter. Criteria: CeGaT Center For Human Genetics Tuebingen Variant Classification Criteria Version 2. Collection method: clinical testing. Allele origin: germline. Affected: yes. Observed: 3 variant alleles.
Comment: ATP8A2: BP4, BP7, BS1

Labcorp Genetics (formerly Invitae), Labcorp
Classification: Benign. Last evaluated: 2025-12-10. Review status: criteria provided, single submitter. Criteria: Invitae Variant Classification Sherloc (09022015). Collection method: clinical testing. Allele origin: germline.

Blueprint Genetics
Classification: Likely benign. Last evaluated: 2024-09-20. Review status: criteria provided, single submitter. Criteria: ACMG Guidelines, 2015. Collection method: clinical testing. Allele origin: germline.

NM_016529.6(ATP8A2):c.207C>T (p.Arg69=)

Gene: ATP8A2 (ATPase phospholipid transporting 8A2). Cytogenetic location: 13q12.13.
Variant type: single nucleotide variant.
Coding change: c.207C>T on transcript NM_016529.6 (MANE Select); coding-DNA position 207, C replaced by T.
Protein change: p.Arg69=; no amino-acid change (arginine 69 retained).
Molecular consequence: synonymous variant.
Genome position (GRCh38, 1-based): chr13:25,469,107, C>T. VCF-style: chr13-25469107-C-T. GRCh37 (hg19) VCF-style: chr13-26043245-C-T.
Other names: c.87C>T, p.Arg29= (NM_001313741.1).
Identifiers: ClinVar variation 1574895 (VCV001574895.31), dbSNP rs183257147, ClinGen allele CA6922477.